The following is an entry in ClinVar:

ClinVar aggregate classification (germline): Likely pathogenic (1 of 4 stars; one submission).

Conditions:
Polycystic kidney disease, adult type (PKD1). Also called: Polycystic Kidney Disease 1, Autosomal Dominant; Polycystic kidney disease 1; Polycystic kidney disease 1, severe; POLYCYSTIC KIDNEY DISEASE, ADULT, TYPE I; Polycystic Kidney, Autosomal Dominant; POLYCYSTIC KIDNEY DISEASE 1 WITH OR WITHOUT POLYCYSTIC LIVER DISEASE. Identifiers: MedGen C3149841, MONDO:0008263, OMIM 173900.

Submission:

3billion
Classification: Likely pathogenic for Polycystic kidney disease, adult type. Last evaluated: 2023-02-23. Review status: criteria provided, single submitter. Criteria: ACMG Guidelines, 2015. Collection method: clinical testing. Allele origin: unknown. Affected: yes.
Comment: The variant is not observed in the gnomAD v2.1.1 dataset. This variant was predicted to result in a loss or disruption of normal protein function through nonsense-mediated decay (NMD) or protein truncation. Multiple pathogenic variants are reported downstream of the variant. Therefore, this variant is classified as Likely pathogenic according to the recommendation of ACMG/AMP guideline.

NM_001009944.3(PKD1):c.6987_6988insATGGCGG (p.Leu2330fs)

Gene: PKD1 (polycystin 1, transient receptor potential channel interacting; minus strand). Cytogenetic location: 16p13.3.
Variant type: Insertion.
Coding change: c.6987_6988insATGGCGG on transcript NM_001009944.3 (MANE Select); coding-DNA positions 6987 to 6988, ATGGCGG inserted.
Protein change: p.Leu2330fs; shifts the reading frame from leucine 2330.
Molecular consequence: frameshift variant.
Genome position: GRCh38 VCF-style: chr16-2107960-G-GCCGCCAT. GRCh37 (hg19) VCF-style: chr16-2157961-G-GCCGCCAT.
Other names: c.6987_6988insATGGCGG, p.Leu2330fs (NM_000296.4); short protein forms L2330fs.
Identifiers: ClinVar variation 2444027 (VCV002444027.1), dbSNP rs2544795860, ClinGen allele CA2580090967.